The following is an entry in ClinVar:

NM_022168.4(IFIH1):c.1084C>G (p.Leu362Val)

Gene: IFIH1 (interferon induced with helicase C domain 1; minus strand). Cytogenetic location: 2q24.2.
Variant type: single nucleotide variant.
Coding change: c.1084C>G on transcript NM_022168.4 (MANE Select); coding-DNA position 1084, C replaced by G.
Protein change: p.Leu362Val; replaces leucine 362 with valine.
Molecular consequence: missense variant.
Genome position (GRCh38, 1-based): chr2:162,288,146, G>C on the plus strand (C>G on the coding strand, the complement: IFIH1 is on the minus strand). VCF-style: chr2-162288146-G-C. GRCh37 (hg19) VCF-style: chr2-163144656-G-C.
Other names: short protein forms L362V.
Identifiers: ClinVar variation 2951520 (VCV002951520.3), dbSNP rs1371494409, ClinGen allele CA349004501.

ClinVar aggregate classification (germline): Uncertain significance (1 of 4 stars; one submission).

Conditions:
Aicardi-Goutieres syndrome 7 (AGS7). Identifiers: Orphanet 51, MedGen C3888244, MONDO:0014367, OMIM 615846.
Singleton-Merten syndrome 1 (SGMRT1). Also called: Widened medullary cavities of bone, aortic calcification, abnormal dentition, and muscular weakness; Syndrome of widened medullary cavities of the metacarpals and phalanges, aortic calcification and abnormal dentition. Identifiers: Orphanet 85191, MedGen C4225427, MONDO:0024535, OMIM 182250.

Allele frequency attached by ClinVar (database versions not stated): TOPMed below 0.00001.
gnomAD v4.1: 1 of 1,607,006 alleles (0.000062%); highest among the groups gnomAD compares: Non-Finnish European, 0.000085%; no homozygotes.

Submission:

Labcorp Genetics (formerly Invitae), Labcorp
Classification: Uncertain significance for Aicardi-Goutieres syndrome 7; Singleton-Merten syndrome 1. Last evaluated: 2025-09-27. Review status: criteria provided, single submitter. Criteria: Invitae Variant Classification Sherloc (09022015). Collection method: clinical testing. Allele origin: germline.
Comment: This sequence change replaces leucine, which is neutral and non-polar, with valine, which is neutral and non-polar, at codon 362 of the IFIH1 protein (p.Leu362Val). This variant is not present in population databases (gnomAD no frequency). This variant has not been reported in the literature in individuals affected with IFIH1-related conditions. ClinVar contains an entry for this variant (Variation ID: 2951520). Invitae Evidence Modeling of protein sequence and biophysical properties (such as structural, functional, and spatial information, amino acid conservation, physicochemical variation, residue mobility, and thermodynamic stability) has been performed for this missense variant. However, the output from this modeling did not meet the statistical confidence thresholds required to predict the impact of this variant on IFIH1 protein function. In summary, the available evidence is currently insufficient to determine the role of this variant in disease. Therefore, it has been classified as a Variant of Uncertain Significance.